The following is an entry in ClinVar:

NM_025114.4(CEP290):c.1860_1861del (p.Asp622fs)

Gene: CEP290 (centrosomal protein 290; minus strand). Cytogenetic location: 12q21.32.
Variant type: Deletion.
Coding change: c.1860_1861del on transcript NM_025114.4 (MANE Select); coding-DNA positions 1860 to 1861, 2 bases deleted (AA; older notation c.1860_1861delAA).
Protein change: p.Asp622fs; shifts the reading frame from aspartic acid 622.
Molecular consequence: frameshift variant.
Genome position (GRCh38, 1-based): chr12:88,115,146-88,115,147, TT deleted on the plus strand (AA on the coding strand, the reverse complement: CEP290 is on the minus strand); deleting any 2 consecutive bases within chr12:88,115,146-88,115,148 gives the same sequence; the c. name uses the placement nearest the transcript's 3' end. VCF-style (leftmost placement, unchanged base first): chr12-88115145-CTT-C. GRCh37 (hg19) VCF-style: chr12-88508922-CTT-C.
Other names: c.1860_1861delAA (NM_025114.3); short protein forms D622fs.
Identifiers: ClinVar variation 56732 (VCV000056732.9), dbSNP rs386834151, ClinGen allele CA144388.

ClinVar aggregate classification (germline): Pathogenic. Review status: criteria provided, multiple submitters, no conflicts (2 of 4 stars). 3 submissions from 3 submitters: Pathogenic (2). 1 of the submissions does not count toward it. Last evaluated 2025-12-26.

Conditions:
Meckel-Gruber syndrome. Also called: Dysencephalia splachnocystica; DYSENCEPHALIA SPLANCHNOCYSTICA; GRUBER SYNDROME. Identifiers: Orphanet 564, MedGen C0265215, MONDO:0018921.
Nephronophthisis. Also called: Juvenile Nephronophthisis. Identifiers: Orphanet 655, MedGen C0687120, MONDO:0019005, HP:0000090.
Joubert syndrome. Also called: Familial aplasia of the vermis; JOUBERT-BOLTSHAUSER SYNDROME. Identifiers: Orphanet 475, MedGen C5979921, MONDO:0018772.
CEP290-related disorder. Also called: CEP290-related condition; CEP290-related disorders. Identifiers: MedGen CN239314.
Meckel syndrome, type 4 (MKS4). Also called: MECKEL-GRUBER SYNDROME, TYPE 4. Identifiers: Orphanet 564, MedGen C1970161, MONDO:0012626, OMIM 611134.

Submissions (3):

Labcorp Genetics (formerly Invitae), Labcorp
Classification: Pathogenic for Joubert syndrome; Meckel-Gruber syndrome; Nephronophthisis. Last evaluated: 2025-12-26. Review status: criteria provided, single submitter. Criteria: Invitae Variant Classification Sherloc (09022015). Collection method: clinical testing. Allele origin: germline.
Comment: This sequence change creates a premature translational stop signal (p.Asp622Phefs*5) in the CEP290 gene. It is expected to result in an absent or disrupted protein product. Loss-of-function variants in CEP290 are known to be pathogenic (PMID: 16909394, 17345604, 20690115). This variant is not present in population databases (gnomAD no frequency). This premature translational stop signal has been observed in individual(s) with CEP290-related ciliopathy (PMID: 17564974). This variant is also known as c1860_1861delAA (p.Glu620Glufs*7). ClinVar contains an entry for this variant (Variation ID: 56732). For these reasons, this variant has been classified as Pathogenic.

PreventionGenetics, part of Exact Sciences
Classification: Pathogenic for CEP290-related condition. Last evaluated: 2025-07-23. Review status: criteria provided, single submitter. Criteria: ACMG Guidelines, 2015. Collection method: clinical testing. Allele origin: germline.
Comment: The CEP290 c.1860_1861delAA variant is predicted to result in a frameshift and premature protein termination (p.Asp622Phefs*5). This variant has been reported in an individual with Meckel syndrome and in an individual with a ciliopathy (Baala et al. 2007. PubMed ID: 17564974; Petzold et al. 2023. PubMed ID: 37230223). This variant has not been reported in a large population database (gnomAD), indicating this variant is rare. Frameshift variants in CEP290 are expected to be pathogenic. This variant is interpreted as pathogenic.

Juha Muilu Group; Institute for Molecular Medicine Finland (FIMM)
Classification: Likely pathogenic for Meckel syndrome type 4. Review status: no assertion criteria provided. Collection method: not provided. Allele origin: unknown. Not counted in ClinVar's aggregate classification.
Comment: FinDis database variant: This variant was not found or characterized by our laboratory, data were collected from public sources: see reference
ClinVar note: Converted during submission from probable-pathogenic to Likely pathogenic.

Literature cited by the submitters: PubMed 16909394 (cited by Labcorp Genetics (formerly Invitae), Labcorp); PubMed 17345604 (cited by Labcorp Genetics (formerly Invitae), Labcorp); PubMed 20690115 (cited by Labcorp Genetics (formerly Invitae), Labcorp); PubMed 17564974 (cited by Labcorp Genetics (formerly Invitae), Labcorp).